The following is an entry in ClinVar:

ClinVar aggregate classification (germline): Uncertain significance. Review status: criteria provided, multiple submitters, no conflicts (2 of 4 stars). 2 submissions from 2 submitters: Uncertain significance (2). Last evaluated 2021-09-26.

Conditions:
Atrial septal defect 5 (ASD5). Identifiers: Orphanet 1478, MedGen C2748552, MONDO:0013011, OMIM 612794.
Hypertrophic cardiomyopathy 11. Also called: ACTC1-Related Familial Hypertrophic Cardiomyopathy. Identifiers: MedGen C2677506, MONDO:0012799, OMIM 612098.
Dilated cardiomyopathy 1R (CMD1R). Identifiers: Orphanet 154, Orphanet 54260, MedGen C3150681, MONDO:0013261, OMIM 613424.

Submissions (2):

Labcorp Genetics (formerly Invitae), Labcorp
Classification: Uncertain significance for Dilated cardiomyopathy 1R; Hypertrophic cardiomyopathy 11; Atrial septal defect 5. Last evaluated: 2021-09-26. Review status: criteria provided, single submitter. Criteria: Invitae Variant Classification Sherloc (09022015). Collection method: clinical testing. Allele origin: germline.
Comment: In summary, the available evidence is currently insufficient to determine the role of this variant in disease. Therefore, it has been classified as a Variant of Uncertain Significance. Algorithms developed to predict the effect of missense changes on protein structure and function are either unavailable or do not agree on the potential impact of this missense change (SIFT: "Deleterious"; PolyPhen-2: "Benign"; Align-GVGD: "Class C0"). ClinVar contains an entry for this variant (Variation ID: 1191942). This variant has not been reported in the literature in individuals affected with ACTC1-related conditions. This variant is not present in population databases (ExAC no frequency). This sequence change replaces leucine with methionine at codon 244 of the ACTC1 protein (p.Leu244Met). The leucine residue is highly conserved and there is a small physicochemical difference between leucine and methionine.

GeneDx
Classification: Uncertain significance. Last evaluated: 2019-05-22. Review status: criteria provided, single submitter. Criteria: GeneDx Variant Classification Process June 2021. Collection method: clinical testing. Allele origin: germline. Affected: yes.
Comment: Has not been previously published as pathogenic or benign to our knowledge; Not observed in large population cohorts (Lek et al., 2016); In silico analysis, which includes protein predictors and evolutionary conservation, supports that this variant does not alter protein structure/function

NM_005159.5(ACTC1):c.730C>A (p.Leu244Met)

Genes: ACTC1 (actin alpha cardiac muscle 1; minus strand), GJD2-DT (GJD2 divergent transcript; plus strand). Cytogenetic location: 15q14.
Variant type: single nucleotide variant.
Coding change: c.730C>A on transcript NM_005159.5 (MANE Select); coding-DNA position 730, C replaced by A.
Protein change: p.Leu244Met; replaces leucine 244 with methionine.
Molecular consequence: missense variant.
Genome position (GRCh38, 1-based): chr15:34,792,168, G>T on the plus strand (C>A on the coding strand, the complement: ACTC1 is on the minus strand). VCF-style: chr15-34792168-G-T. GRCh37 (hg19) VCF-style: chr15-35084369-G-T.
Other names: short protein forms L244M.
Identifiers: ClinVar variation 1191942 (VCV001191942.8), dbSNP rs2140430556, ClinGen allele CA391630062.